The following is an entry in ClinVar:

NM_001081.4(CUBN):c.1436C>G (p.Ser479Ter)

Gene: CUBN (cubilin; minus strand). Cytogenetic location: 10p13.
Variant type: single nucleotide variant.
Coding change: c.1436C>G on transcript NM_001081.4 (MANE Select); coding-DNA position 1436, C replaced by G.
Protein change: p.Ser479Ter; replaces serine 479 with a stop codon.
Molecular consequence: nonsense.
Genome position (GRCh38, 1-based): chr10:17,103,219, G>C on the plus strand (C>G on the coding strand, the complement: CUBN is on the minus strand). VCF-style: chr10-17103219-G-C. GRCh37 (hg19) VCF-style: chr10-17145218-G-C.
Other names: short protein forms S479*.
Identifiers: ClinVar variation 56319 (VCV000056319.2), dbSNP rs386833767, ClinGen allele CA144247.
Genomic context (GRCh38, chr10:17,103,219, plus strand): 5'-TTAACATCATGAACATAACCAACATCCGGGCTCCTGTAGCTGAAGCTTCCATTTATTCCT[G>C]AGAGGGACTCTCCACAAACTGCAAAGGAAAAGATGAACTGTGCTTTTCAGAGGTTCCTAA-3'

ClinVar aggregate classification (germline): Likely pathogenic (0 of 4 stars; one submission).

Conditions:
Imerslund-Grasbeck syndrome. Also called: PERNICIOUS ANEMIA, JUVENILE, DUE TO SELECTIVE INTESTINAL MALABSORPTION OF VITAMIN B12, WITH PROTEINURIA; Megaloblastic anemia due to inborn errors of metabolism; Imerslund-Gräsbeck syndrome; ENTEROCYTE COBALAMIN MALABSORPTION; ENTEROCYTE INTRINSIC FACTOR RECEPTOR, DEFECT OF. Identifiers: Orphanet 35858, MedGen C4551825, MONDO:0009853.

Submission:

Juha Muilu Group; Institute for Molecular Medicine Finland (FIMM)
Classification: Likely pathogenic for Megaloblastic anemia due to inborn errors of metabolism. Review status: no assertion criteria provided. Collection method: not provided. Allele origin: unknown.
Comment: FinDis database variant: This variant was not found or characterized by our laboratory, data were collected from public sources: see reference
ClinVar note: Converted during submission from probable-pathogenic to Likely pathogenic.